The following is an entry in ClinVar:

NM_003482.4(KMT2D):c.10904T>C (p.Leu3635Pro)

Gene: KMT2D (lysine methyltransferase 2D; minus strand). Cytogenetic location: 12q13.12.
Variant type: single nucleotide variant.
Coding change: c.10904T>C on transcript NM_003482.4 (MANE Select); coding-DNA position 10904, T replaced by C.
Protein change: p.Leu3635Pro; replaces leucine 3635 with proline.
Molecular consequence: missense variant.
Genome position (GRCh38, 1-based): chr12:49,033,801, A>G on the plus strand (T>C on the coding strand, the complement: KMT2D is on the minus strand). VCF-style: chr12-49033801-A-G. GRCh37 (hg19) VCF-style: chr12-49427584-A-G.
Other names: short protein forms L3635P.
Identifiers: ClinVar variation 4801210 (VCV004801210.1).
Genomic context (GRCh38, chr12:49,033,801, plus strand): 5'-AGACCTCCGGCTTGCCCACCCGGAGGCCCCTGTGGTGGCTGCAGCCCATGGCCAGGGAGC[A>G]GCTGACCAGGGAGCTTGGTGAGCAGCCGGGGACTCTGGGAAGGGCTGAGAGCCAGCACAG-3'
Protein context (NP_003473.3, residues 3625-3645): PRLLTKLPGQ[Leu3635Pro]LPGHGLQPPQ

ClinVar aggregate classification (germline): Uncertain significance (1 of 4 stars; one submission).

Conditions:
Kabuki syndrome. Also called: NIIKAWA-KUROKI SYNDROME; Kabuki make-up syndrome. Identifiers: Orphanet 2322, MedGen C0796004, MONDO:0016512.

Submission:

Labcorp Genetics (formerly Invitae), Labcorp
Classification: Uncertain significance for Kabuki syndrome. Last evaluated: 2025-03-30. Review status: criteria provided, single submitter. Criteria: Invitae Variant Classification Sherloc (09022015). Collection method: clinical testing. Allele origin: germline.
Comment: This sequence change replaces leucine, which is neutral and non-polar, with proline, which is neutral and non-polar, at codon 3635 of the KMT2D protein (p.Leu3635Pro). This variant is not present in population databases (gnomAD no frequency). This variant has not been reported in the literature in individuals affected with KMT2D-related conditions. Invitae Evidence Modeling of protein sequence and biophysical properties (such as structural, functional, and spatial information, amino acid conservation, physicochemical variation, residue mobility, and thermodynamic stability) has been performed for this missense variant. However, the output from this modeling did not meet the statistical confidence thresholds required to predict the impact of this variant on KMT2D protein function. In summary, the available evidence is currently insufficient to determine the role of this variant in disease. Therefore, it has been classified as a Variant of Uncertain Significance.